The following is an entry in ClinVar:

ClinVar aggregate classification (germline): Uncertain significance (1 of 4 stars; one submission).

Allele frequency attached by ClinVar (database versions not stated): gnomAD 0.00004 and 0.00006; ESP Exome Variant Server 0.00008; 1000 Genomes Project 30x 0.00016; 1000 Genomes Project 0.00020.
gnomAD v4.1: 41 of 1,613,902 alleles (0.0025%); highest among the groups gnomAD compares: African/African-American, 0.0093%; no homozygotes.

Submission:

Labcorp Genetics (formerly Invitae), Labcorp
Classification: Uncertain significance. Last evaluated: 2022-06-13. Review status: criteria provided, single submitter. Criteria: Invitae Variant Classification Sherloc (09022015). Collection method: clinical testing. Allele origin: germline.
Comment: This sequence change replaces arginine, which is basic and polar, with cysteine, which is neutral and slightly polar, at codon 265 of the GORAB protein (p.Arg265Cys). This variant is present in population databases (rs139455579, gnomAD 0.02%). This variant has not been reported in the literature in individuals affected with GORAB-related conditions. Algorithms developed to predict the effect of missense changes on protein structure and function are either unavailable or do not agree on the potential impact of this missense change (SIFT: "Deleterious"; PolyPhen-2: "Probably Damaging"; Align-GVGD: "Class C15"). In summary, the available evidence is currently insufficient to determine the role of this variant in disease. Therefore, it has been classified as a Variant of Uncertain Significance.

NM_152281.3(GORAB):c.718C>T (p.Arg240Cys)

Gene: GORAB (golgin, RAB6 interacting; plus strand). Cytogenetic location: 1q24.2.
Variant type: single nucleotide variant.
Coding change: c.718C>T on transcript NM_152281.3 (MANE Select); coding-DNA position 718, C replaced by T.
Protein change: p.Arg240Cys; replaces arginine 240 with cysteine.
Molecular consequence: missense variant. On other transcripts: non-coding transcript variant (1).
Genome position (GRCh38, 1-based): chr1:170,552,070, C>T. VCF-style: chr1-170552070-C-T. GRCh37 (hg19) VCF-style: chr1-170521211-C-T.
Other names: c.253C>T, p.Arg85Cys (NM_001320252.2); short protein forms R240C, R85C.
Identifiers: ClinVar variation 1436878 (VCV001436878.3), dbSNP rs139455579, ClinGen allele CA1239223.